The following is an entry in ClinVar:

ClinVar aggregate classification (germline): Uncertain significance (1 of 4 stars; one submission).

Conditions:
COL18A1-related disorder. Also called: COL18A1-related disorders; COL18A1-related condition.

gnomAD v4.1: 40 of 1,534,770 alleles (0.0026%); highest among the groups gnomAD compares: African/African-American, 0.027%; no homozygotes.

Submission:

PreventionGenetics, part of Exact Sciences
Classification: Uncertain significance for COL18A1-related condition. Last evaluated: 2026-04-30. Review status: criteria provided, single submitter. Criteria: ACMG Guidelines, 2015. Collection method: clinical testing. Allele origin: germline.
Comment: The COL18A1 c.1118G>T variant is predicted to result in the amino acid substitution p.Trp373Leu. This variant can also be denoted c.1118G>T (p.Trp373Leu) in transcript NM_130444.2. To our knowledge, this variant has not been reported in the literature. This variant is present in 0.039% of alleles in individuals of African descent in gnomAD. At this time, the clinical significance of this variant is uncertain due to the absence of conclusive functional and genetic evidence.

NM_001379500.1(COL18A1):c.107-11594G>T

Gene: COL18A1 (collagen type XVIII alpha 1 chain; plus strand). Cytogenetic location: 21q22.3.
Variant type: single nucleotide variant.
Coding change: c.107-11594G>T on transcript NM_001379500.1 (MANE Select); 11594 bases into the intron before coding-DNA position 107, G replaced by T.
Molecular consequence: intron variant. On other transcripts: missense variant (1).
Genome position (GRCh38, 1-based): chr21:45,456,648, G>T. VCF-style: chr21-45456648-G-T. GRCh37 (hg19) VCF-style: chr21-46876562-G-T.
Other names: c.1118G>T, p.Trp373Leu (NM_130444.3); c.646+472G>T (NM_030582.4); short protein forms W373L.
Identifiers: ClinVar variation 4979896 (VCV004979896.1).